The following is an entry in ClinVar:

NM_017934.7(PHIP):c.2017+6C>T

Gene: PHIP (PHIP subunit of CUL4-Ring ligase complex; minus strand). Cytogenetic location: 6q14.1.
Variant type: single nucleotide variant.
Coding change: c.2017+6C>T on transcript NM_017934.7 (MANE Select); 6 bases into the intron after coding-DNA position 2017, C replaced by T.
Molecular consequence: intron variant.
Genome position (GRCh38, 1-based): chr6:78,998,248, G>A on the plus strand (C>T on the coding strand, the complement: PHIP is on the minus strand). VCF-style: chr6-78998248-G-A. GRCh37 (hg19) VCF-style: chr6-79707965-G-A.
Other names: c.2017+6C>T (NM_017934.6).
Identifiers: ClinVar variation 2140083 (VCV002140083.6), dbSNP rs373455873, ClinGen allele CA3900061.

ClinVar aggregate classification (germline): Uncertain significance. Review status: criteria provided, single submitter (1 of 4 stars). 2 submissions from 2 submitters: Uncertain significance (1). 1 of the submissions does not count toward it. Last evaluated 2025-06-17.

Conditions:
PHIP-related disorder. Also called: PHIP-related disorders; PHIP-related condition.

Allele frequency attached by ClinVar (database versions not stated): ExAC 0.00001; gnomAD 0.00003; TOPMed 0.00003.
gnomAD v4.1: 34 of 1,604,046 alleles (0.0021%); highest among the groups gnomAD compares: East Asian, 0.0067%; no homozygotes.

Submissions (2):

Labcorp Genetics (formerly Invitae), Labcorp
Classification: Uncertain significance. Last evaluated: 2025-06-17. Review status: criteria provided, single submitter. Criteria: Invitae Variant Classification Sherloc (09022015). Collection method: clinical testing. Allele origin: germline.
Comment: This sequence change falls in intron 18 of the PHIP gene. It does not directly change the encoded amino acid sequence of the PHIP protein. It affects a nucleotide within the consensus splice site. This variant is present in population databases (rs373455873, gnomAD 0.02%). This variant has not been reported in the literature in individuals affected with PHIP-related conditions. ClinVar contains an entry for this variant (Variation ID: 2140083). Variants that disrupt the consensus splice site are a relatively common cause of aberrant splicing (PMID: 17576681, 9536098). Algorithms developed to predict the effect of sequence changes on RNA splicing suggest that this variant is not likely to affect RNA splicing. In summary, the available evidence is currently insufficient to determine the role of this variant in disease. Therefore, it has been classified as a Variant of Uncertain Significance.

PreventionGenetics, part of Exact Sciences
Classification: Likely benign for PHIP-related condition. Last evaluated: 2021-10-13. Review status: no assertion criteria provided. Collection method: clinical testing. Allele origin: germline. Not counted in ClinVar's aggregate classification.
Comment: This variant is classified as likely benign based on ACMG/AMP sequence variant interpretation guidelines (Richards et al. 2015 PMID: 25741868, with internal and published modifications).

Literature cited by the submitters: PubMed 17576681 (cited by Labcorp Genetics (formerly Invitae), Labcorp); PubMed 9536098 (cited by Labcorp Genetics (formerly Invitae), Labcorp).